The following is an entry in ClinVar:

ClinVar aggregate classification (germline): Likely benign. Review status: criteria provided, multiple submitters, no conflicts (2 of 4 stars). 2 submissions from 2 submitters: Likely benign (2). Last evaluated 2024-01-03.

Submissions (2):

Blueprint Genetics
Classification: Likely benign. Last evaluated: 2024-01-03. Review status: criteria provided, single submitter. Criteria: ACMG Guidelines, 2015. Collection method: clinical testing. Allele origin: germline.

Laboratory for Molecular Medicine, Mass General Brigham Personalized Medicine
Classification: Likely benign. Last evaluated: 2015-03-04. Review status: criteria provided, single submitter. Criteria: LMM Criteria. Collection method: clinical testing. Allele origin: germline. Observed: 1 variant allele.
Comment: p.Asn16694Asn in exon 244 of TTN: This variant is not expected to have clinical significance because it does not alter an amino acid residue and is not located within the splice consensus sequence.

NM_001267550.2(TTN):c.57786T>C (p.Asn19262=)

Genes: TTN (titin; minus strand), TTN-AS1 (TTN antisense RNA 1; plus strand). Cytogenetic location: 2q31.2.
Variant type: single nucleotide variant.
Coding change: c.57786T>C on transcript NM_001267550.2 (MANE Select); coding-DNA position 57786, T replaced by C.
Protein change: p.Asn19262=; no amino-acid change (asparagine 19262 retained).
Molecular consequence: synonymous variant.
Genome position (GRCh38, 1-based): chr2:178,595,568, A>G on the plus strand (T>C on the coding strand, the complement: TTN is on the minus strand). VCF-style: chr2-178595568-A-G. GRCh37 (hg19) VCF-style: chr2-179460295-A-G.
Other names: c.50082T>C, p.Asn16694= (NM_133378.4); c.52863T>C, p.Asn17621= (NM_001256850.1); c.30591T>C, p.Asn10197= (NM_003319.4); c.30966T>C, p.Asn10322= (NM_133432.3); c.31167T>C, p.Asn10389= (NM_133437.4).
Identifiers: ClinVar variation 228110 (VCV000228110.6), dbSNP rs876657608, ClinGen allele CA10576509.